The following is an entry in ClinVar:

NM_152490.5(B3GALNT2):c.670G>A (p.Val224Met)

Gene: B3GALNT2 (beta-1,3-N-acetylgalactosaminyltransferase 2; minus strand). Cytogenetic location: 1q42.3.
Variant type: single nucleotide variant.
Coding change: c.670G>A on transcript NM_152490.5 (MANE Select); coding-DNA position 670, G replaced by A.
Protein change: p.Val224Met; replaces valine 224 with methionine.
Molecular consequence: missense variant.
Genome position (GRCh38, 1-based): chr1:235,470,942, C>T on the plus strand (G>A on the coding strand, the complement: B3GALNT2 is on the minus strand). VCF-style: chr1-235470942-C-T. GRCh37 (hg19) VCF-style: chr1-235634256-C-T.
Other names: c.670G>A (NM_152490.3); c.793G>A, p.Val265Met (NM_001277155.3); short protein forms V265M, V224M.
Identifiers: ClinVar variation 1983763 (VCV001983763.4), dbSNP rs761979457, ClinGen allele CA1464829.

ClinVar aggregate classification (germline): Uncertain significance. Review status: criteria provided, multiple submitters, no conflicts (2 of 4 stars). 2 submissions from 2 submitters: Uncertain significance (2). Last evaluated 2022-07-13.

Conditions:
Muscular dystrophy-dystroglycanopathy (congenital with brain and eye anomalies), type a, 11 (MDDGA11). Also called: WALKER-WARBURG SYNDROME OR MUSCLE-EYE-BRAIN DISEASE, B3GALNT2-RELATED; Congenital muscular dystrophy-dystroglycanopathy with brain and eye anomalies, type A11; Muscular dystrophy-dystroglycanopathy (congenital with brain and eye anomalies, type A, 11. Identifiers: Orphanet 588, Orphanet 899, MedGen C3554638, MONDO:0014071, OMIM 615181.

Allele frequency attached by ClinVar (database versions not stated): TOPMed below 0.00001; gnomAD 0.00002; gnomAD exomes 0.00003; ExAC 0.00004.
gnomAD v4.1: 48 of 1,613,862 alleles (0.003%); highest among the groups gnomAD compares: Middle Eastern, 0.016%; no homozygotes.

Submissions (2):

Labcorp Genetics (formerly Invitae), Labcorp
Classification: Uncertain significance for Muscular dystrophy-dystroglycanopathy (congenital with brain and eye anomalies), type a, 11. Last evaluated: 2022-07-13. Review status: criteria provided, single submitter. Criteria: Invitae Variant Classification Sherloc (09022015). Collection method: clinical testing. Allele origin: germline.
Comment: This sequence change replaces valine, which is neutral and non-polar, with methionine, which is neutral and non-polar, at codon 224 of the B3GALNT2 protein (p.Val224Met). This variant is present in population databases (rs761979457, gnomAD 0.01%). This variant has not been reported in the literature in individuals affected with B3GALNT2-related conditions. Algorithms developed to predict the effect of missense changes on protein structure and function are either unavailable or do not agree on the potential impact of this missense change (SIFT: "Deleterious"; PolyPhen-2: "Possibly Damaging"; Align-GVGD: "Class C0"). In summary, the available evidence is currently insufficient to determine the role of this variant in disease. Therefore, it has been classified as a Variant of Uncertain Significance.

Revvity Omics, Revvity
Classification: Uncertain significance for Muscular dystrophy-dystroglycanopathy (congenital with brain and eye anomalies), type a, 11. Last evaluated: 2019-05-31. Review status: criteria provided, single submitter. Criteria: ACMG Guidelines, 2015. Collection method: clinical testing. Allele origin: germline.